The following is an entry in ClinVar:

NM_004360.5(CDH1):c.1211C>T (p.Pro404Leu)

Gene: CDH1 (cadherin 1; plus strand). Cytogenetic location: 16q22.1.
Variant type: single nucleotide variant.
Coding change: c.1211C>T on transcript NM_004360.5 (MANE Select); coding-DNA position 1211, C replaced by T.
Protein change: p.Pro404Leu; replaces proline 404 with leucine.
Molecular consequence: missense variant. On other transcripts: 5 prime UTR variant (2), intron variant (1).
Genome position (GRCh38, 1-based): chr16:68,813,386, C>T. VCF-style: chr16-68813386-C-T. GRCh37 (hg19) VCF-style: chr16-68847289-C-T.
Other names: c.-405C>T (NM_001317185.2); c.-609C>T (NM_001317186.2); c.1137+1123C>T (NM_001317184.2); short protein forms P404L.
Identifiers: ClinVar variation 1991595 (VCV001991595.4), dbSNP rs2152133437, ClinGen allele CA396461322.

ClinVar aggregate classification (germline): Uncertain significance (1 of 4 stars; one submission).

Conditions:
Hereditary diffuse gastric adenocarcinoma (HDGC). Also called: DIFFUSE GASTRIC AND LOBULAR BREAST CANCER SYNDROME. Identifiers: Orphanet 26106, MedGen C1708349, MONDO:0007648, OMIM 137215.

Submission:

Labcorp Genetics (formerly Invitae), Labcorp
Classification: Uncertain significance for Hereditary diffuse gastric adenocarcinoma. Last evaluated: 2025-06-04. Review status: criteria provided, single submitter. Criteria: Invitae Variant Classification Sherloc (09022015). Collection method: clinical testing. Allele origin: germline.
Comment: This sequence change replaces proline, which is neutral and non-polar, with leucine, which is neutral and non-polar, at codon 404 of the CDH1 protein (p.Pro404Leu). This variant is not present in population databases (gnomAD no frequency). This variant has not been reported in the literature in individuals affected with CDH1-related conditions. ClinVar contains an entry for this variant (Variation ID: 1991595). An algorithm developed to predict the effect of missense changes on protein structure and function (PolyPhen-2) suggests that this variant is likely to be disruptive. In summary, the available evidence is currently insufficient to determine the role of this variant in disease. Therefore, it has been classified as a Variant of Uncertain Significance.